The following is an entry in ClinVar:

NM_014049.5(ACAD9):c.1358+1G>C

Gene: ACAD9 (acyl-CoA dehydrogenase family member 9; plus strand). Cytogenetic location: 3q21.3.
Variant type: single nucleotide variant.
Coding change: c.1358+1G>C on transcript NM_014049.5 (MANE Select); the canonical splice donor site of the intron after coding-DNA position 1358, G replaced by C.
Molecular consequence: splice donor variant.
Genome position (GRCh38, 1-based): chr3:128,908,265, G>C. VCF-style: chr3-128908265-G-C. GRCh37 (hg19) VCF-style: chr3-128627108-G-C.
Other names: c.989+1G>C (NM_001410805.1).
Identifiers: ClinVar variation 859563 (VCV000859563.8), dbSNP rs1432669401, ClinGen allele CA354438129.

ClinVar aggregate classification (germline): Likely pathogenic (1 of 4 stars; one submission).

Submission:

Labcorp Genetics (formerly Invitae), Labcorp
Classification: Likely pathogenic. Last evaluated: 2019-02-13. Review status: criteria provided, single submitter. Criteria: Invitae Variant Classification Sherloc (09022015). Collection method: clinical testing. Allele origin: germline.
Comment: In summary, the currently available evidence indicates that the variant is pathogenic, but additional data are needed to prove that conclusively. Therefore, this variant has been classified as Likely Pathogenic. Donor and acceptor splice site variants typically lead to a loss of protein function (PMID: 16199547), and loss-of-function variants in ACAD9 are known to be pathogenic (PMID: 25721401). Algorithms developed to predict the effect of sequence changes on RNA splicing suggest that this variant may disrupt the consensus splice site, but this prediction has not been confirmed by published transcriptional studies. This variant has not been reported in the literature in individuals with ACAD9-related conditions. This variant is not present in population databases (ExAC no frequency). This sequence change affects a donor splice site in intron 13 of the ACAD9 gene. It is expected to disrupt RNA splicing and likely results in an absent or disrupted protein product.

Literature cited by the submitters: PubMed 16199547; PubMed 25721401.